The following is an entry in ClinVar:

NM_015910.7(WDPCP):c.-113C>A

Gene: WDPCP (WD repeat containing planar cell polarity effector; minus strand). Cytogenetic location: 2p15.
Variant type: single nucleotide variant.
Coding change: c.-113C>A on transcript NM_015910.7 (MANE Select); 113 bases upstream of the start codon, C replaced by A.
Molecular consequence: 5 prime UTR variant. On other transcripts: non-coding transcript variant (2).
Genome position (GRCh38, 1-based): chr2:63,588,384, G>T on the plus strand (C>A on the coding strand, the complement: WDPCP is on the minus strand). VCF-style: chr2-63588384-G-T. GRCh37 (hg19) VCF-style: chr2-63815518-G-T.
Other names: c.-437C>A (NM_001354044.2); c.-113C>A (NM_001354045.2).
Identifiers: ClinVar variation 336774 (VCV000336774.6), dbSNP rs192963932, ClinGen allele CA10614270.
Genomic context (GRCh38, chr2:63,588,384, plus strand): 5'-GAGGGAGCGACACGCTCGCTTGGTCTCTTGGGTCTCCAGGACGCCGCCGCCGCCGCCACA[G>T]TTTCCTCAGGTGCTACAAAGCAGCCAGGGTGTGCGTGCGCTCCCGCCTCGTCGCTTAGCA-3'

ClinVar aggregate classification (germline): Likely benign. Review status: criteria provided, multiple submitters, no conflicts (2 of 4 stars). 2 submissions from 2 submitters: Likely benign (2). Last evaluated 2018-01-12.

Conditions:
Bardet-Biedl syndrome 15 (BBS15). Identifiers: Orphanet 110, MedGen C3150127, MONDO:0014443, OMIM 615992.

Allele frequency attached by ClinVar (database versions not stated): gnomAD exomes 0.00046; gnomAD 0.00050 and 0.00070; TOPMed 0.00096; 1000 Genomes Project 30x 0.00390; 1000 Genomes Project 0.00439.
gnomAD v4.1: 603 of 1,231,182 alleles (0.049%); highest among the groups gnomAD compares: East Asian, 1.3%; 5 homozygotes.

Submissions (2):

Illumina Laboratory Services, Illumina
Classification: Likely benign for Bardet-Biedl syndrome 15. Last evaluated: 2018-01-12. Review status: criteria provided, single submitter. Criteria: ICSL Variant Classification Criteria 13 December 2019. Collection method: clinical testing. Allele origin: germline.
Comment: This variant was observed in the ICSL laboratory as part of a predisposition screen in an ostensibly healthy population. It had not been previously curated by ICSL or reported in the Human Gene Mutation Database (HGMD: prior to June 1st, 2018), and was therefore a candidate for classification through an automated scoring system. Utilizing variant allele frequency, disease prevalence and penetrance estimates, and inheritance mode, an automated score was calculated to assess if this variant is too frequent to cause the disease. Based on the score and internal cut-off values, a variant classified as likely benign is not then subjected to further curation. The score for this variant resulted in a classification of likely benign for this disease.

Breakthrough Genomics
Classification: Likely benign. Review status: criteria provided, single submitter. Criteria: ACMG Guidelines, 2015. Collection method: not provided. Allele origin: germline. Inheritance: Autosomal recessive inheritance. Affected: yes.